The following is an entry in ClinVar:

ClinVar aggregate classification (germline): Likely benign (1 of 4 stars; one submission).

Conditions:
Malignant hyperthermia, susceptibility to, 1 (MHS1). Also called: Anesthesia related hyperthermia; Malignant hyperpyrexia; Fulminating hyperpyrexia; Pharmacogenic myopathy; RYR1-Related Malignant Hyperthermia Susceptibility; Malignant hyperthermia suceptibility 1. Identifiers: Orphanet 423, MedGen C2930980, MONDO:0007783, OMIM 145600.

Allele frequency attached by ClinVar (database versions not stated): TOPMed below 0.00001; gnomAD 0.00001.
gnomAD v4.1: 3 of 1,607,516 alleles (0.00019%); highest among the groups gnomAD compares: East Asian, 0.0022%; no homozygotes.

Submission:

All of Us Research Program, National Institutes of Health
Classification: Likely benign for Malignant hyperthermia, susceptibility to, 1. Last evaluated: 2024-03-24. Review status: criteria provided, single submitter. Criteria: ACMG Guidelines, 2015. Collection method: clinical testing. Allele origin: germline. Inheritance: Autosomal dominant inheritance. Observed: 2 variant alleles, 2 heterozygotes.
Comment: This study involves interpretation of variants in research participants for the purpose of population health screening. Participant phenotype was not available at the time of variant classification. Additional details can be found in publication PMID: 35346344, PMCID: PMC8962531

NM_000540.3(RYR1):c.632-15C>T

Gene: RYR1 (ryanodine receptor 1; plus strand). Cytogenetic location: 19q13.2.
Variant type: single nucleotide variant.
Coding change: c.632-15C>T on transcript NM_000540.3 (MANE Select); 15 bases into the intron before coding-DNA position 632, C replaced by T.
Molecular consequence: intron variant.
Genome position (GRCh38, 1-based): chr19:38,446,457, C>T. VCF-style: chr19-38446457-C-T. GRCh37 (hg19) VCF-style: chr19-38937097-C-T.
Other names: c.632-15C>T (NM_001042723.2).
Identifiers: ClinVar variation 3071970 (VCV003071970.2), dbSNP rs1371692386, ClinGen allele CA882053743.